The following is an entry in ClinVar:

ClinVar aggregate classification (germline): Benign. Review status: criteria provided, multiple submitters, no conflicts (2 of 4 stars). 2 submissions from 2 submitters: Benign (2). Last evaluated 2018-01-13.

Conditions:
Immunodeficiency due to CD25 deficiency. Also called: IMMUNODEFICIENCY 41 WITH LYMPHOPROLIFERATION AND AUTOIMMUNITY; CD25 DEFICIENCY; IL2RA DEFICIENCY. Identifiers: Orphanet 169100, MedGen C1853392, MONDO:0011664, OMIM 606367.

Allele frequency attached by ClinVar (database versions not stated): 1000 Genomes Project 0.35483; 1000 Genomes Project 30x 0.35696; TOPMed 0.40246; gnomAD 0.40803 and 0.40826; gnomAD exomes 0.41818.
gnomAD v4.1: 62,043 of 152,174 alleles (41%); highest among the groups gnomAD compares: Middle Eastern, 52%; 13,195 homozygotes.

Submissions (2):

Illumina Laboratory Services, Illumina
Classification: Benign for Immunodeficiency due to CD25 deficiency. Last evaluated: 2018-01-13. Review status: criteria provided, single submitter. Criteria: ICSL Variant Classification Criteria 13 December 2019. Collection method: clinical testing. Allele origin: germline.
Comment: This variant was observed in the ICSL laboratory as part of a predisposition screen in an ostensibly healthy population. It had not been previously curated by ICSL or reported in the Human Gene Mutation Database (HGMD: prior to June 1st, 2018), and was therefore a candidate for classification through an automated scoring system. Utilizing variant allele frequency, disease prevalence and penetrance estimates, and inheritance mode, an automated score was calculated to assess if this variant is too frequent to cause the disease. Based on the score and internal cut-off values, a variant classified as benign is not then subjected to further curation. The score for this variant resulted in a classification of benign for this disease.

Breakthrough Genomics
Classification: Benign. Review status: criteria provided, single submitter. Criteria: ACMG Guidelines, 2015. Collection method: not provided. Allele origin: germline. Inheritance: Autosomal recessive inheritance. Affected: yes.

NM_000417.3(IL2RA):c.*1461T>C

Gene: IL2RA (interleukin 2 receptor subunit alpha; minus strand). Cytogenetic location: 10p15.1.
Variant type: single nucleotide variant.
Coding change: c.*1461T>C on transcript NM_000417.3 (MANE Select); 1461 bases downstream of the stop codon, T replaced by C.
Molecular consequence: 3 prime UTR variant.
Genome position (GRCh38, 1-based): chr10:6,011,411, A>G on the plus strand (T>C on the coding strand, the complement: IL2RA is on the minus strand). VCF-style: chr10-6011411-A-G. GRCh37 (hg19) VCF-style: chr10-6053374-A-G.
Other names: c.*1461T>C (NM_001308242.2, NM_001308243.2).
Identifiers: ClinVar variation 300224 (VCV000300224.6), dbSNP rs12244380, ClinGen allele CA10635979.